The following is an entry in ClinVar:

ClinVar aggregate classification (germline): Likely benign (1 of 4 stars; one submission).

gnomAD v4.1: 1,509 of 1,613,974 alleles (0.093%); highest among the groups gnomAD compares: Non-Finnish European, 0.12%; 2 homozygotes.

Submission:

CeGaT Center for Human Genetics Tuebingen
Classification: Likely benign. Last evaluated: 2025-11-01. Review status: criteria provided, single submitter. Criteria: CeGaT Center For Human Genetics Tuebingen Variant Classification Criteria Version 2. Collection method: clinical testing. Allele origin: germline. Affected: yes. Observed: 1 variant allele.
Comment: MYL1: BS2

NM_079420.3(MYL1):c.239G>A (p.Arg80Gln)

Gene: MYL1 (myosin light chain 1; minus strand). Cytogenetic location: 2q34.
Variant type: single nucleotide variant.
Coding change: c.239G>A on transcript NM_079420.3 (MANE Select); coding-DNA position 239, G replaced by A.
Protein change: p.Arg80Gln; replaces arginine 80 with glutamine.
Molecular consequence: missense variant.
Genome position (GRCh38, 1-based): chr2:210,298,485, C>T on the plus strand (G>A on the coding strand, the complement: MYL1 is on the minus strand). VCF-style: chr2-210298485-C-T. GRCh37 (hg19) VCF-style: chr2-211163209-C-T.
Other names: c.107G>A, p.Arg36Gln (NM_079422.3); short protein forms R36Q, R80Q.
Identifiers: ClinVar variation 4535470 (VCV004535470.6).